The following is an entry in ClinVar:

ClinVar aggregate classification (germline): Uncertain significance (1 of 4 stars; one submission).

Submission:

Labcorp Genetics (formerly Invitae), Labcorp
Classification: Uncertain significance. Last evaluated: 2023-01-05. Review status: criteria provided, single submitter. Criteria: Invitae Variant Classification Sherloc (09022015). Collection method: clinical testing. Allele origin: germline.
Comment: Advanced modeling of protein sequence and biophysical properties (such as structural, functional, and spatial information, amino acid conservation, physicochemical variation, residue mobility, and thermodynamic stability) performed at Invitae indicates that this missense variant is not expected to disrupt POLE protein function. This variant has not been reported in the literature in individuals affected with POLE-related conditions. This variant is not present in population databases (gnomAD no frequency). This sequence change replaces methionine, which is neutral and non-polar, with isoleucine, which is neutral and non-polar, at codon 2047 of the POLE protein (p.Met2047Ile). In summary, the available evidence is currently insufficient to determine the role of this variant in disease. Therefore, it has been classified as a Variant of Uncertain Significance.

NM_006231.4(POLE):c.6141G>A (p.Met2047Ile)

Gene: POLE (DNA polymerase epsilon, catalytic subunit; minus strand). Cytogenetic location: 12q24.33.
Variant type: single nucleotide variant.
Coding change: c.6141G>A on transcript NM_006231.4 (MANE Select); coding-DNA position 6141, G replaced by A.
Protein change: p.Met2047Ile; replaces methionine 2047 with isoleucine.
Molecular consequence: missense variant.
Genome position (GRCh38, 1-based): chr12:132,632,504, C>T on the plus strand (G>A on the coding strand, the complement: POLE is on the minus strand). VCF-style: chr12-132632504-C-T. GRCh37 (hg19) VCF-style: chr12-133209090-C-T.
Other names: short protein forms M2047I.
Identifiers: ClinVar variation 2826458 (VCV002826458.3), dbSNP rs2138461672, ClinGen allele CA387370089.